The following is an entry in ClinVar:

ClinVar aggregate classification (germline): Pathogenic/Likely pathogenic. Review status: criteria provided, multiple submitters, no conflicts (2 of 4 stars). 4 submissions from 4 submitters: Pathogenic (2); Likely pathogenic (2). Last evaluated 2026-01-22.

Conditions:
PGAM2-related disorder. Also called: PGAM2-related condition.
Glycogen storage disease type X (GSD10). Also called: PGAMM DEFICIENCY; PHOSPHOGLYCERATE MUTASE, MUSCLE, DEFICIENCY OF; GSD X; Dimauro disease; MYOPATHY DUE TO PHOSPHOGLYCERATE MUTASE DEFICIENCY; Glycogen storage disease due to phosphoglycerate mutase deficiency. Identifiers: Orphanet 97234, MedGen C0268149, MONDO:0009865, OMIM 261670.

Allele frequency attached by ClinVar (database versions not stated): ExAC 0.00002; gnomAD exomes 0.00002; TOPMed 0.00003; gnomAD 0.00005.

Submissions (4):

PreventionGenetics, part of Exact Sciences
Classification: Likely pathogenic for PGAM2-related condition. Last evaluated: 2026-01-22. Review status: criteria provided, single submitter. Criteria: ACMG Guidelines, 2015. Collection method: clinical testing. Allele origin: germline.
Comment: The PGAM2 c.20delT variant is predicted to result in a frameshift and premature protein termination (p.Val7Glyfs*24). To our knowledge, this variant has not been reported in individuals with PGAM2-related disease. This variant is reported in 0.0040% of alleles in individuals of European (Finnish) descent in gnomAD. Frameshift variants in PGAM2 are expected to be pathogenic. This variant is interpreted as likely pathogenic.

3billion
Classification: Pathogenic for Glycogen storage disease type X. Last evaluated: 2025-07-01. Review status: criteria provided, single submitter. Criteria: ACMG Guidelines, 2015. Collection method: clinical testing. Allele origin: germline. Affected: yes.
Comment: The variant is observed at an extremely low frequency in the gnomAD v4.1.0 dataset (total allele frequency: 0.002%). Predicted Consequence/Location: Frameshift: predicted to result in a loss or disruption of normal protein function through nonsense-mediated decay (NMD) or protein truncation. Multiple pathogenic variants are reported downstream of the variant. No sentences The variant has been reported at least twice as pathogenic without evidence for the classification (ClinVar ID: VCV000426405 /PMID: 31589614). Therefore, this variant is classified as Pathogenic according to the recommendation of ACMG/AMP guideline.

Labcorp Genetics (formerly Invitae), Labcorp
Classification: Pathogenic for Glycogen storage disease type X. Last evaluated: 2024-06-10. Review status: criteria provided, single submitter. Criteria: Invitae Variant Classification Sherloc (09022015). Collection method: clinical testing. Allele origin: germline.
Comment: This sequence change creates a premature translational stop signal (p.Val7Glyfs*24) in the PGAM2 gene. It is expected to result in an absent or disrupted protein product. Loss-of-function variants in PGAM2 are known to be pathogenic (PMID: 8447317, 19273759). The frequency data for this variant in the population databases is considered unreliable, as metrics indicate poor data quality at this position in the gnomAD database. This variant has not been reported in the literature in individuals affected with PGAM2-related conditions. ClinVar contains an entry for this variant (Variation ID: 426405). For these reasons, this variant has been classified as Pathogenic.

GeneDx
Classification: Likely pathogenic. Last evaluated: 2017-04-18. Review status: criteria provided, single submitter. Criteria: GeneDx Variant Classification (06012015). Collection method: clinical testing. Allele origin: germline. Affected: yes.
Comment: The c.20delT variant has not been published as a pathogenic variant, nor has it been reported as a benign variant to our knowledge. The c.20delT variant is not observed at a significant frequency in large population cohorts (Lek et al., 2016; 1000 Genomes Consortium et al., 2015; Exome Variant Server). The deletion causes a frameshift starting with codon Valine 7, changes this amino acid to a Glycine residue and creates a premature Stop codon at position 24 of the new reading frame, denoted p.Val7GlyfsX24. This variant is predicted to cause loss of normal protein function either through protein truncation or nonsense-mediated mRNA decay. In summary, we interpret this variant as likely pathogenic.

Literature cited by the submitters: PubMed 31589614 (cited by 3billion); PubMed 8447317 (cited by Labcorp Genetics (formerly Invitae), Labcorp); PubMed 19273759 (cited by Labcorp Genetics (formerly Invitae), Labcorp).

NM_000290.4(PGAM2):c.20del (p.Val7fs)

Genes: DBNL (drebrin like; plus strand), PGAM2 (phosphoglycerate mutase 2; minus strand). Cytogenetic location: 7p13.
Variant type: Deletion.
Coding change: c.20del on transcript NM_000290.4 (MANE Select); coding-DNA position 20, one base deleted (T; older notation c.20delT).
Protein change: p.Val7fs; shifts the reading frame from valine 7.
Molecular consequence: frameshift variant. On other transcripts: 3 prime UTR variant (6).
Genome position (GRCh38, 1-based): chr7:44,065,510, A deleted on the plus strand (T on the coding strand, the reverse complement: PGAM2 is on the minus strand). VCF-style (leftmost placement, unchanged base first): chr7-44065509-CA-C. GRCh37 (hg19) VCF-style: chr7-44105108-CA-C.
Other names: c.*4594del (NM_001014436.3, NM_001122956.2, NM_001284313.2 and 3 more transcripts); short protein forms V7fs.
Identifiers: ClinVar variation 426405 (VCV000426405.9), dbSNP rs764567774, ClinGen allele CA4236697.